The following is an entry in ClinVar:

ClinVar aggregate classification (germline): Uncertain significance (1 of 4 stars; one submission).

gnomAD v4.1: 68 of 1,613,472 alleles (0.0042%); highest among the groups gnomAD compares: Non-Finnish European, 0.004%; no homozygotes.

Submission:

Labcorp Genetics (formerly Invitae), Labcorp
Classification: Uncertain significance. Last evaluated: 2024-10-21. Review status: criteria provided, single submitter. Criteria: Invitae Variant Classification Sherloc (09022015). Collection method: clinical testing. Allele origin: germline.
Comment: This sequence change replaces threonine, which is neutral and polar, with alanine, which is neutral and non-polar, at codon 1278 of the LTBP4 protein (p.Thr1278Ala). This variant is present in population databases (rs760454993, gnomAD 0.03%). This variant has not been reported in the literature in individuals affected with LTBP4-related conditions. Experimental studies and prediction algorithms are not available or were not evaluated, and the functional significance of this variant is currently unknown. In summary, the available evidence is currently insufficient to determine the role of this variant in disease. Therefore, it has been classified as a Variant of Uncertain Significance.

NM_001042545.2(LTBP4):c.3742A>G (p.Thr1248Ala)

Gene: LTBP4 (latent transforming growth factor beta binding protein 4; plus strand). Cytogenetic location: 19q13.2.
Variant type: single nucleotide variant.
Coding change: c.3742A>G on transcript NM_001042545.2 (MANE Select); coding-DNA position 3742, A replaced by G.
Protein change: p.Thr1248Ala; replaces threonine 1248 with alanine.
Molecular consequence: missense variant.
Genome position (GRCh38, 1-based): chr19:40,623,992, A>G. VCF-style: chr19-40623992-A-G. GRCh37 (hg19) VCF-style: chr19-41129897-A-G.
Other names: c.3943A>G, p.Thr1315Ala (NM_001042544.1); c.3832A>G, p.Thr1278Ala (NM_003573.2); short protein forms T1248A, T1278A, T1315A.
Identifiers: ClinVar variation 3719404 (VCV003719404.1).
Genomic context (GRCh38, chr19:40,623,992, plus strand): 5'-CTAGACAATGACGAGTGCGCCGATGAGGAACCGGCCTGTGAGGGCGGCCGCTGTGTCAAC[A>G]CTGTGGGCTCTTATCACTGTACCTGCGAGCCCCCACTGGTGCTGGATGGCTCGCAGCGCC-3'
Protein context (NP_001036010.1, residues 1238-1258): PACEGGRCVN[Thr1248Ala]VGSYHCTCEP